The following is an entry in ClinVar:

NM_004448.4(ERBB2):c.362A>T (p.Asp121Val)

Gene: ERBB2 (erb-b2 receptor tyrosine kinase 2; plus strand). Cytogenetic location: 17q12.
Variant type: single nucleotide variant.
Coding change: c.362A>T on transcript NM_004448.4 (MANE Select); coding-DNA position 362, A replaced by T.
Protein change: p.Asp121Val; replaces aspartic acid 121 with valine.
Molecular consequence: missense variant. On other transcripts: non-coding transcript variant (1), intron variant (1).
Genome position (GRCh38, 1-based): chr17:39,708,457, A>T. VCF-style: chr17-39708457-A-T. GRCh37 (hg19) VCF-style: chr17-37864710-A-T.
Other names: c.272A>T, p.Asp91Val (NM_001005862.3, NM_001289938.2, NM_001382782.1 and 1 more transcripts); c.317A>T, p.Asp106Val (NM_001289936.2); c.362A>T, p.Asp121Val (NM_001289937.2, NM_001382784.1, NM_001382785.1 and 19 more transcripts); c.353A>T, p.Asp118Val (NM_001382791.1); c.74-3471A>T (NM_001382804.1); short protein forms D106V, D118V, D121V, D91V.
Identifiers: ClinVar variation 4806063 (VCV004806063.1).

ClinVar aggregate classification (germline): Uncertain significance (1 of 4 stars; one submission).

Submission:

Labcorp Genetics (formerly Invitae), Labcorp
Classification: Uncertain significance. Last evaluated: 2025-02-16. Review status: criteria provided, single submitter. Criteria: Invitae Variant Classification Sherloc (09022015). Collection method: clinical testing. Allele origin: germline.
Comment: This sequence change replaces aspartic acid, which is acidic and polar, with valine, which is neutral and non-polar, at codon 121 of the ERBB2 protein (p.Asp121Val). This variant is not present in population databases (gnomAD no frequency). This variant has not been reported in the literature in individuals affected with ERBB2-related conditions. Invitae Evidence Modeling of protein sequence and biophysical properties (such as structural, functional, and spatial information, amino acid conservation, physicochemical variation, residue mobility, and thermodynamic stability) indicates that this missense variant is not expected to disrupt ERBB2 protein function with a negative predictive value of 80%. In summary, the available evidence is currently insufficient to determine the role of this variant in disease. Therefore, it has been classified as a Variant of Uncertain Significance.